The following is an entry in ClinVar:

NM_002397.5(MEF2C):c.590-8A>G

Gene: MEF2C (myocyte enhancer factor 2C; minus strand). Cytogenetic location: 5q14.3.
Variant type: single nucleotide variant.
Coding change: c.590-8A>G on transcript NM_002397.5 (MANE Select); 8 bases into the intron before coding-DNA position 590, A replaced by G.
Molecular consequence: intron variant.
Genome position (GRCh38, 1-based): chr5:88,749,125, T>C on the plus strand (A>G on the coding strand, the complement: MEF2C is on the minus strand). VCF-style: chr5-88749125-T-C. GRCh37 (hg19) VCF-style: chr5-88044942-T-C.
Other names: c.590-8A>G (NM_001364329.2, NM_001364330.2, NM_001364333.2 and 18 more transcripts); c.446-8A>G (NM_001364344.2, NM_001364354.2, NM_001364332.2 and 3 more transcripts); c.212-8A>G (NM_001364353.2, NM_001364356.2); c.584-8A>G (NM_001131005.2, NM_001364352.2, NM_001364343.2); c.644-8A>G (NM_001193347.1, NM_001364338.2); c.164-8A>G (NM_001364357.2).
Identifiers: ClinVar variation 4720466 (VCV004720466.1).
Genomic context (GRCh38, chr5:88,749,125, plus strand): 5'-CTTACCTGCACTGGTGCCTGCACCAGACGTGAGGTCTCCACCCATCAGACCACCTATGGA[T>C]TAAAGAGGAAGATCAAAACGAGAAAGGCTAAAGGCCCACAGAACAAAACACTTTACCTTC-3'

ClinVar aggregate classification (germline): Uncertain significance (1 of 4 stars; one submission).

Conditions:
Neurodevelopmental disorder with hypotonia, stereotypic hand movements, and impaired language. Also called: Intellectual disability, autosomal dominant 20. Identifiers: Orphanet 228384, Orphanet 664410, MedGen C3150700, MONDO:0013266, OMIM 613443.

Submission:

Labcorp Genetics (formerly Invitae), Labcorp
Classification: Uncertain significance for Neurodevelopmental disorder with hypotonia, stereotypic hand movements, and impaired language. Last evaluated: 2025-05-30. Review status: criteria provided, single submitter. Criteria: Invitae Variant Classification Sherloc (09022015). Collection method: clinical testing. Allele origin: germline.
Comment: This sequence change falls in intron 5 of the MEF2C gene. It does not directly change the encoded amino acid sequence of the MEF2C protein. This variant is not present in population databases (gnomAD no frequency). This variant has not been reported in the literature in individuals affected with MEF2C-related conditions. Algorithms developed to predict the effect of sequence changes on RNA splicing suggest that this variant may disrupt the consensus splice site. In summary, the available evidence is currently insufficient to determine the role of this variant in disease. Therefore, it has been classified as a Variant of Uncertain Significance.